The following is an entry in ClinVar:

ClinVar aggregate classification (germline): Uncertain significance (1 of 4 stars; one submission).

Submission:

GeneDx
Classification: Uncertain significance. Last evaluated: 2019-06-25. Review status: criteria provided, single submitter. Criteria: GeneDx Variant Classification Process June 2021. Collection method: clinical testing. Allele origin: germline. Affected: yes.
Comment: Not observed in large population cohorts (Lek et al., 2016); Frameshift variant predicted to result in protein truncation or nonsense mediated decay in a gene for which loss-of-function is not a known mechanism of disease; Has not been previously published as pathogenic or benign to our knowledge

NM_005188.4(CBL):c.976del (p.Gln326fs)

Gene: CBL (Cbl proto-oncogene; plus strand). Cytogenetic location: 11q23.3.
Variant type: Deletion.
Coding change: c.976del on transcript NM_005188.4 (MANE Select); coding-DNA position 976, one base deleted (C; older notation c.976delC).
Protein change: p.Gln326fs; shifts the reading frame from glutamine 326.
Molecular consequence: frameshift variant.
Genome position (GRCh38, 1-based): chr11:119,276,103, C deleted; the last of 2 consecutive C bases (chr11:119,276,102-119,276,103); deleting either gives the same sequence. VCF-style (leftmost placement, unchanged base first): chr11-119276101-TC-T. GRCh37 (hg19) VCF-style: chr11-119146811-TC-T.
Other names: c.976delC (NM_005188.2); short protein forms Q326fs.
Identifiers: ClinVar variation 180825 (VCV000180825.3), dbSNP rs730880436, ClinGen allele CA296014.